The following is an entry in ClinVar:

ClinVar aggregate classification (germline): Uncertain significance (1 of 4 stars; one submission).

Allele frequency attached by ClinVar (database versions not stated): gnomAD exomes 0.00001.

Submission:

Labcorp Genetics (formerly Invitae), Labcorp
Classification: Uncertain significance. Last evaluated: 2022-09-27. Review status: criteria provided, single submitter. Criteria: Invitae Variant Classification Sherloc (09022015). Collection method: clinical testing. Allele origin: germline.
Comment: This sequence change replaces valine, which is neutral and non-polar, with isoleucine, which is neutral and non-polar, at codon 509 of the HPS6 protein (p.Val509Ile). This variant is present in population databases (no rsID available, gnomAD 0.0009%). This variant has not been reported in the literature in individuals affected with HPS6-related conditions. Advanced modeling of protein sequence and biophysical properties (such as structural, functional, and spatial information, amino acid conservation, physicochemical variation, residue mobility, and thermodynamic stability) performed at Invitae indicates that this missense variant is not expected to disrupt HPS6 protein function. In summary, the available evidence is currently insufficient to determine the role of this variant in disease. Therefore, it has been classified as a Variant of Uncertain Significance.

NM_024747.6(HPS6):c.1525G>A (p.Val509Ile)

Gene: HPS6 (HPS6 biogenesis of lysosomal organelles complex 2 subunit 3; plus strand). Cytogenetic location: 10q24.32.
Variant type: single nucleotide variant.
Coding change: c.1525G>A on transcript NM_024747.6 (MANE Select); coding-DNA position 1525, G replaced by A.
Protein change: p.Val509Ile; replaces valine 509 with isoleucine.
Molecular consequence: missense variant.
Genome position (GRCh38, 1-based): chr10:102,066,999, G>A. VCF-style: chr10-102066999-G-A. GRCh37 (hg19) VCF-style: chr10-103826756-G-A.
Other names: short protein forms V509I.
Identifiers: ClinVar variation 1938776 (VCV001938776.2), dbSNP rs1280852746, ClinGen allele CA377868713.
Genomic context (GRCh38, chr10:102,066,999, plus strand): 5'-GAAGTGGCACGCCTGCTGAGGACTGAGTTGATAGGAGACCAGCTAGCCCAGCTCAACACC[G>A]TTTTCCAAGCCCTTCCTACAGCAGCCTGGGGTGCCACCCTCAGGGCCCTGCAGCTCCAGC-3'
Protein context (NP_079023.2, residues 499-519): IGDQLAQLNT[Val509Ile]FQALPTAAWG